The following is an entry in ClinVar:

ClinVar aggregate classification (germline): Likely benign (1 of 4 stars; one submission).

Conditions:
MAPK8IP1-related disorder. Also called: MAPK8IP1-related condition.

Submission:

PreventionGenetics, part of Exact Sciences
Classification: Likely benign for MAPK8IP1-related condition. Last evaluated: 2026-07-23. Review status: criteria provided, single submitter. Criteria: ACMG Guidelines, 2015. Collection method: clinical testing. Allele origin: germline.
Comment: This variant is classified as likely benign based on ACMG/AMP sequence variant interpretation guidelines (Richards et al. 2015 PMID: 25741868, with internal and published modifications).

NM_005456.4(MAPK8IP1):c.744G>A (p.Pro248=)

Gene: MAPK8IP1 (mitogen-activated protein kinase 8 interacting protein 1; plus strand). Cytogenetic location: 11p11.2.
Variant type: single nucleotide variant.
Coding change: c.744G>A on transcript NM_005456.4 (MANE Select); coding-DNA position 744, G replaced by A.
Protein change: p.Pro248=; no amino-acid change (proline 248 retained).
Molecular consequence: synonymous variant.
Genome position (GRCh38, 1-based): chr11:45,902,511, G>A. VCF-style: chr11-45902511-G-A. GRCh37 (hg19) VCF-style: chr11-45924062-G-A.
Identifiers: ClinVar variation 4989121 (VCV004989121.1).